The following is an entry in ClinVar:

ClinVar aggregate classification (germline): Benign. Review status: criteria provided, multiple submitters, no conflicts (2 of 4 stars). 3 submissions from 3 submitters: Benign (3). Last evaluated 2024-01-24.

Allele frequency attached by ClinVar (database versions not stated): gnomAD 0.19043 and 0.19324; TOPMed 0.20617; 1000 Genomes Project 30x 0.27811; 1000 Genomes Project 0.28215.
gnomAD v4.1: 252,616 of 1,578,972 alleles (16%); highest among the groups gnomAD compares: East Asian, 58%; 25,437 homozygotes.

Submissions (3):

Unidad de Genómica Garrahan, Hospital de Pediatría Garrahan
Classification: Benign. Last evaluated: 2024-01-24. Review status: criteria provided, single submitter. Criteria: ACMG Guidelines, 2015. Collection method: clinical testing. Allele origin: germline. Affected: no. Observed: 34 variant alleles.
Comment: This variant is classified as Benign based on local population frequency. This variant was detected in 36% of patients studied by a panel of primary immunodeficiencies. Number of patients: 34. Only high quality variants are reported.

GeneDx
Classification: Benign. Last evaluated: 2018-07-09. Review status: criteria provided, single submitter. Criteria: GeneDx Variant Classification Process June 2021. Collection method: clinical testing. Allele origin: germline. Affected: yes.

Breakthrough Genomics
Classification: Benign. Review status: criteria provided, single submitter. Criteria: ACMG Guidelines, 2015. Collection method: not provided. Allele origin: germline. Inheritance: Autosomal recessive inheritance. Affected: yes.

NM_020458.4(TTC7A):c.1642-66C>T

Gene: TTC7A (tetratricopeptide repeat domain 7A; plus strand). Cytogenetic location: 2p21.
Variant type: single nucleotide variant.
Coding change: c.1642-66C>T on transcript NM_020458.4 (MANE Select); 66 bases into the intron before coding-DNA position 1642, C replaced by T.
Molecular consequence: intron variant.
Genome position (GRCh38, 1-based): chr2:47,029,158, C>T. VCF-style: chr2-47029158-C-T. GRCh37 (hg19) VCF-style: chr2-47256297-C-T.
Other names: c.1540-66C>T (NM_001288953.2); c.1642-66C>T (NM_001288951.2); c.580-66C>T (NM_001288955.2).
Identifiers: ClinVar variation 1279636 (VCV001279636.4), dbSNP rs2304289, ClinGen allele CA11114530.